The following is an entry in ClinVar:

NM_001080517.3(SETD5):c.2343_2344delinsTT (p.Lys781_Lys782delinsAsnTer)

Gene: SETD5 (SET domain containing 5; plus strand). Cytogenetic location: 3p25.3.
Variant type: Indel.
Coding change: c.2343_2344delinsTT on transcript NM_001080517.3 (MANE Select); coding-DNA positions 2343 to 2344, GA replaced by TT.
Protein change: p.Lys781_Lys782delinsAsnTer.
Molecular consequence: nonsense.
Genome position (GRCh38, 1-based): chr3:9,448,627-9,448,628, GA replaced by TT. VCF-style: chr3-9448627-GA-TT. GRCh37 (hg19) VCF-style: chr3-9490311-GA-TT.
Other names: c.2049_2050delinsTT, p.Lys683_Lys684delinsAsnTer (NM_001292043.2, NM_001349451.2); c.2343_2344delGAinsTT (NM_001080517.1); c.2343_2344delinsTT (NM_001080517.1).
Identifiers: ClinVar variation 1119984 (VCV001119984.2), dbSNP rs2125290668, ClinGen allele CA2499217003.
Genomic context (GRCh38, chr3:9,448,627, plus strand): 5'-CTTTATCCCTGAGAGACGTCGAAGGCCCCTTCTGCCTGATGGCACATTCAGCTCCTGTAA[GA>TT]AGGTATGTCTGTGTTTTTGTGTGTGTGTTGTGTTTATGTGTGTGTGCTTTATTTTTTTAA-3'

ClinVar aggregate classification (germline): Pathogenic (1 of 4 stars; one submission).

Submission:

GeneDx
Classification: Pathogenic. Last evaluated: 2026-01-23. Review status: criteria provided, single submitter. Criteria: GeneDx Variant Classification Process June 2021. Collection method: clinical testing. Allele origin: germline. Affected: yes.
Comment: Has not been previously published as pathogenic or benign to our knowledge; Not observed at significant frequency in large population cohorts (gnomAD); Nonsense variant predicted to result in protein truncation or nonsense mediated decay in a gene for which loss-of-function is a known mechanism of disease